The following is an entry in ClinVar:

NM_031954.5(KCTD10):c.506A>G (p.Asn169Ser)

Gene: KCTD10 (potassium channel tetramerization domain containing 10; minus strand). Cytogenetic location: 12q24.11.
Variant type: single nucleotide variant.
Coding change: c.506A>G on transcript NM_031954.5 (MANE Select); coding-DNA position 506, A replaced by G.
Protein change: p.Asn169Ser; replaces asparagine 169 with serine.
Molecular consequence: missense variant. On other transcripts: non-coding transcript variant (2).
Genome position (GRCh38, 1-based): chr12:109,457,651, T>C on the plus strand (A>G on the coding strand, the complement: KCTD10 is on the minus strand). VCF-style: chr12-109457651-T-C. GRCh37 (hg19) VCF-style: chr12-109895456-T-C.
Other names: c.509A>G, p.Asn170Ser (NM_001317395.2); c.506A>G, p.Asn169Ser (NM_001317399.2); short protein forms N169S, N170S.
Identifiers: ClinVar variation 3341090 (VCV003341090.1).

ClinVar aggregate classification (germline): Uncertain significance (1 of 4 stars; one submission).

Submission:

GeneDx
Classification: Uncertain significance. Last evaluated: 2024-09-23. Review status: criteria provided, single submitter. Criteria: GeneDx Variant Classification Process June 2021. Collection method: clinical testing. Allele origin: germline. Affected: yes.
Comment: In silico analysis supports that this missense variant has a deleterious effect on protein structure/function; Not observed at significant frequency in large population cohorts (gnomAD); Variants in candidate genes are classified as variants of uncertain significance in accordance with ACMG guidelines (PMID: 25741868); Has not been previously published as pathogenic or benign to our knowledge